The following is an entry in ClinVar:

NM_032217.5(ANKRD17):c.3769_3772del (p.Leu1256_Thr1257insTer)

Gene: ANKRD17 (ankyrin repeat domain 17; minus strand). Cytogenetic location: 4q13.3.
Variant type: Deletion.
Coding change: c.3769_3772del on transcript NM_032217.5 (MANE Select); coding-DNA positions 3769 to 3772, 4 bases deleted (ACTT; older notation c.3769_3772delACTT).
Protein change: p.Leu1256_Thr1257insTer.
Molecular consequence: nonsense.
Genome position (GRCh38, 1-based): chr4:73,120,958-73,120,961, AAGT deleted on the plus strand (ACTT on the coding strand, the reverse complement: ANKRD17 is on the minus strand); deleting any 4 consecutive bases within chr4:73,120,958-73,120,964 gives the same sequence; the c. name uses the placement nearest the transcript's 3' end. VCF-style (leftmost placement, unchanged base first): chr4-73120957-AAAGT-A. GRCh37 (hg19) VCF-style: chr4-73986674-AAAGT-A.
Other names: c.3430_3433del, p.Leu1143_Thr1144insTer (NM_001286771.3); c.3766_3769del, p.Leu1255_Thr1256insTer (NM_015574.2); c.3016_3019del, p.Leu1005_Thr1006insTer (NM_198889.3).
Identifiers: ClinVar variation 4526370 (VCV004526370.1).

ClinVar aggregate classification (germline): Likely pathogenic (1 of 4 stars; one submission).

Submission:

Centre of Medical Genetics, University Hospital Muenster
Classification: Likely pathogenic. Last evaluated: 2025-07-23. Review status: criteria provided, single submitter. Criteria: ACMG Guidelines, 2015. Collection method: clinical testing. Allele origin: unknown. Affected: yes. Observed: 1 variant allele, 1 heterozygote.
Comment: ACMG categories: PVS1,PM2_sup